The following is an entry in ClinVar:

NM_000343.4(SLC5A1):c.559A>G (p.Ile187Val)

Gene: SLC5A1 (solute carrier family 5 member 1; plus strand). Cytogenetic location: 22q12.3.
Variant type: single nucleotide variant.
Coding change: c.559A>G on transcript NM_000343.4 (MANE Select); coding-DNA position 559, A replaced by G.
Protein change: p.Ile187Val; replaces isoleucine 187 with valine.
Molecular consequence: missense variant.
Genome position (GRCh38, 1-based): chr22:32,081,947, A>G. VCF-style: chr22-32081947-A-G. GRCh37 (hg19) VCF-style: chr22-32477934-A-G.
Other names: c.178A>G, p.Ile60Val (NM_001256314.2); short protein forms I187V, I60V.
Identifiers: ClinVar variation 1713488 (VCV001713488.5), dbSNP rs2517659863, ClinGen allele CA411302430.

ClinVar aggregate classification (germline): Uncertain significance (1 of 4 stars; one submission).

Conditions:
Congenital glucose-galactose malabsorption (GGM). Also called: MONOSACCHARIDE MALABSORPTION; DIARRHEA 16. Identifiers: Orphanet 35710, MedGen C0268186, MONDO:0011731, OMIM 606824.

Submission:

Labcorp Genetics (formerly Invitae), Labcorp
Classification: Uncertain significance for Congenital glucose-galactose malabsorption. Last evaluated: 2022-07-23. Review status: criteria provided, single submitter. Criteria: Invitae Variant Classification Sherloc (09022015). Collection method: clinical testing. Allele origin: germline.
Comment: This sequence change replaces isoleucine, which is neutral and non-polar, with valine, which is neutral and non-polar, at codon 187 of the SLC5A1 protein (p.Ile187Val). In summary, the available evidence is currently insufficient to determine the role of this variant in disease. Therefore, it has been classified as a Variant of Uncertain Significance. Algorithms developed to predict the effect of missense changes on protein structure and function output the following: SIFT: "Deleterious"; PolyPhen-2: "Benign"; Align-GVGD: "Class C25". The valine amino acid residue is found in multiple mammalian species, which suggests that this missense change does not adversely affect protein function. This variant has not been reported in the literature in individuals affected with SLC5A1-related conditions. This variant is not present in population databases (gnomAD no frequency).